The following is an entry in ClinVar:

NM_000548.5(TSC2):c.5068+2_5068+6dup

Gene: TSC2 (TSC complex subunit 2; plus strand). Cytogenetic location: 16p13.3.
Variant type: Duplication.
Coding change: c.5068+2_5068+6dup on transcript NM_000548.5 (MANE Select); the canonical splice donor site of the intron after coding-DNA position 5068 through 6 bases into the intron after coding-DNA position 5068, 5 bases duplicated (TAGGG; older notation c.5068+2_5068+6dupTAGGG).
Molecular consequence: splice donor variant.
Genome position (GRCh38, 1-based): chr16:2,087,943-2,087,947, TAGGG duplicated; duplicating any 5 consecutive bases within chr16:2,087,941-2,087,947 gives the same sequence; the c. name uses the placement nearest the transcript's 3' end. VCF-style (leftmost placement, unchanged base first): chr16-2087940-A-AGGTAG. GRCh37 (hg19) VCF-style: chr16-2137941-A-AGGTAG.
Other names: c.5068+2_5068+6dupTAGGG (NM_000548.3); c.3526+2_3526+6dup (NM_001406693.1, NM_001406692.1, NM_001406694.1); c.4960+2_4960+6dup (NM_001406667.1); c.4957+2_4957+6dup (NM_001406668.1); c.4468+2_4468+6dup (NM_001406680.1); c.4399+2_4399+6dup (NM_001406683.1, NM_001406682.1); c.4267+2_4267+6dup (NM_001406687.1, NM_001406688.1); c.3655+2_3655+6dup (NM_001406689.1); and 27 more.
Identifiers: ClinVar variation 3674494 (VCV003674494.5).

ClinVar aggregate classification (germline): Conflicting classifications of pathogenicity. Review status: criteria provided, conflicting classifications (1 of 4 stars). 3 submissions from 3 submitters: Uncertain significance (2); Likely benign (1). Last evaluated 2025-09-30.

Conditions:
Hereditary cancer-predisposing syndrome. Also called: Neoplastic Syndromes, Hereditary; Tumor predisposition; Hereditary Cancer Syndrome; Hereditary neoplastic syndrome. Identifiers: Orphanet 140162, MedGen C0027672, MeSH D009386, MONDO:0015356.
Tuberous sclerosis 2 (TSC2). Identifiers: Orphanet 805, MedGen C1860707, MONDO:0013199, OMIM 613254.

Submissions (3):

Labcorp Genetics (formerly Invitae), Labcorp
Classification: Uncertain significance for Tuberous sclerosis 2. Last evaluated: 2025-09-30. Review status: criteria provided, single submitter. Criteria: Invitae Variant Classification Sherloc (09022015). Collection method: clinical testing. Allele origin: germline.
Comment: This sequence change falls in intron 39 of the TSC2 gene. It does not directly change the encoded amino acid sequence of the TSC2 protein. This variant is not present in population databases (gnomAD no frequency). This variant has not been reported in the literature in individuals affected with TSC2-related conditions. ClinVar contains an entry for this variant (Variation ID: 3674494). Algorithms developed to predict the effect of sequence changes on RNA splicing suggest that this variant may disrupt the consensus splice site. In summary, the available evidence is currently insufficient to determine the role of this variant in disease. Therefore, it has been classified as a Variant of Uncertain Significance.

Dasa
Classification: Uncertain significance for Tuberous sclerosis 2. Last evaluated: 2025-06-05. Review status: criteria provided, single submitter. Criteria: DASA Assertion Criteria. Collection method: clinical testing. Allele origin: germline.
Comment: NM_000548.5(TSC2):c.5068+2_5068+6dup is a splice-region variant predicted to affect normal RNA splicing. This variant is absent from population databases. The currently available literature and clinical evidence are not sufficient to establish a definitive association between this variant and the reported condition. Therefore, this variant is classified as a variant of uncertain significance.

Ambry Genetics
Classification: Likely benign for Hereditary cancer-predisposing syndrome. Last evaluated: 2025-02-12. Review status: criteria provided, single submitter. Criteria: Ambry Variant Classification Scheme 2023. Collection method: clinical testing. Allele origin: germline.